The following is an entry in ClinVar:

NM_001142864.4(PIEZO1):c.1306A>T (p.Ile436Phe)

Genes: HSALR1 (HSP90AB1 associated lncRNA 1; plus strand), PIEZO1 (piezo type mechanosensitive ion channel component 1 (Er blood group); minus strand). Cytogenetic location: 16q24.3.
Variant type: single nucleotide variant.
Coding change: c.1306A>T on transcript NM_001142864.4 (MANE Select); coding-DNA position 1306, A replaced by T.
Protein change: p.Ile436Phe; replaces isoleucine 436 with phenylalanine.
Molecular consequence: missense variant.
Genome position (GRCh38, 1-based): chr16:88,736,399, T>A on the plus strand (A>T on the coding strand, the complement: PIEZO1 is on the minus strand). VCF-style: chr16-88736399-T-A. GRCh37 (hg19) VCF-style: chr16-88802807-T-A.
Other names: short protein forms I436F.
Identifiers: ClinVar variation 965053 (VCV000965053.9), dbSNP rs1905218054, ClinGen allele CA397118771.

ClinVar aggregate classification (germline): Uncertain significance (1 of 4 stars; one submission).

Submission:

Labcorp Genetics (formerly Invitae), Labcorp
Classification: Uncertain significance. Last evaluated: 2020-01-20. Review status: criteria provided, single submitter. Criteria: Invitae Variant Classification Sherloc (09022015). Collection method: clinical testing. Allele origin: germline.
Comment: In summary, the available evidence is currently insufficient to determine the role of this variant in disease. Therefore, it has been classified as a Variant of Uncertain Significance. Algorithms developed to predict the effect of missense changes on protein structure and function are either unavailable or do not agree on the potential impact of this missense change (SIFT: "Deleterious"; PolyPhen-2: "Probably Damaging"; Align-GVGD: "Class C0"). This variant has not been reported in the literature in individuals with PIEZO1-related conditions. This variant is not present in population databases (ExAC no frequency). This sequence change replaces isoleucine with phenylalanine at codon 436 of the PIEZO1 protein (p.Ile436Phe). The isoleucine residue is moderately conserved and there is a small physicochemical difference between isoleucine and phenylalanine.